The following is an entry in ClinVar:

ClinVar aggregate classification (germline): Uncertain significance. Review status: criteria provided, multiple submitters, no conflicts (2 of 4 stars). 2 submissions from 2 submitters: Uncertain significance (2). Last evaluated 2025-04-11.

Conditions:
Sengers syndrome. Also called: MITOCHONDRIAL DNA DEPLETION SYNDROME 10 (CARDIOMYOPATHIC TYPE); Cardiomyopathy and cataract. Identifiers: Orphanet 1369, MedGen C1859317, MONDO:0008922, OMIM 212350.
Cataract 38. Also called: Cataract 38, autosomal recessive; Cataract, autosomal recessive congenital 5. Identifiers: Orphanet 91492, MedGen C3553494, MONDO:0013859, OMIM 614691.

Submissions (2):

GeneDx
Classification: Uncertain significance. Last evaluated: 2025-04-11. Review status: criteria provided, single submitter. Criteria: GeneDx Variant Classification Process June 2021. Collection method: clinical testing. Allele origin: germline. Affected: yes.
Comment: In-frame deletion of 2 amino acid(s) in a non-repeat region; Has not been previously published as pathogenic or benign to our knowledge; In silico analysis does not support a benign or deleterious effect of this variant on protein structure/function

Labcorp Genetics (formerly Invitae), Labcorp
Classification: Uncertain significance for Sengers syndrome; Cataract 38. Last evaluated: 2022-10-24. Review status: criteria provided, single submitter. Criteria: Invitae Variant Classification Sherloc (09022015). Collection method: clinical testing. Allele origin: germline.
Comment: This variant, c.1039_1044del, results in the deletion of 2 amino acid(s) of the AGK protein (p.Thr347_Ile348del), but otherwise preserves the integrity of the reading frame. This variant is present in population databases (rs758017978, gnomAD 0.03%). This variant has not been reported in the literature in individuals affected with AGK-related conditions. ClinVar contains an entry for this variant (Variation ID: 661404). Experimental studies and prediction algorithms are not available or were not evaluated, and the functional significance of this variant is currently unknown. In summary, the available evidence is currently insufficient to determine the role of this variant in disease. Therefore, it has been classified as a Variant of Uncertain Significance.

NM_018238.4(AGK):c.1039_1044del (p.Thr347_Ile348del)

Gene: AGK (acylglycerol kinase; plus strand). Cytogenetic location: 7q34.
Variant type: Deletion.
Coding change: c.1039_1044del on transcript NM_018238.4 (MANE Select); coding-DNA positions 1039 to 1044, 6 bases deleted (ACTATA; older notation c.1039_1044delACTATA).
Protein change: p.Thr347_Ile348del.
Molecular consequence: inframe deletion.
Genome position (GRCh38, 1-based): chr7:141,649,326-141,649,331, ACTATA deleted; deleting any 6 consecutive bases within chr7:141,649,322-141,649,331 gives the same sequence; the c. name uses the placement nearest the transcript's 3' end. VCF-style (leftmost placement, unchanged base first): chr7-141649321-TTATAAC-T. GRCh37 (hg19) VCF-style: chr7-141349121-TTATAAC-T.
Other names: c.1039_1044del, p.Thr347_Ile348del (NM_001364948.3).
Identifiers: ClinVar variation 661404 (VCV000661404.7), dbSNP rs758017978, ClinGen allele CA4517651.